The following is an entry in ClinVar:

NM_003470.3(USP7):c.214C>G (p.Gln72Glu)

Gene: USP7 (ubiquitin specific peptidase 7; minus strand). Cytogenetic location: 16p13.2.
Variant type: single nucleotide variant.
Coding change: c.214C>G on transcript NM_003470.3 (MANE Select); coding-DNA position 214, C replaced by G.
Protein change: p.Gln72Glu; replaces glutamine 72 with glutamic acid.
Molecular consequence: missense variant. On other transcripts: 5 prime UTR variant (1), non-coding transcript variant (1).
Genome position (GRCh38, 1-based): chr16:8,923,384, G>C on the plus strand (C>G on the coding strand, the complement: USP7 is on the minus strand). VCF-style: chr16-8923384-G-C. GRCh37 (hg19) VCF-style: chr16-9017241-G-C.
Other names: c.166C>G, p.Gln56Glu (NM_001286457.2); c.-84C>G (NM_001286458.2); c.40C>G, p.Gln14Glu (NM_001321858.2); short protein forms Q72E, Q14E, Q56E.
Identifiers: ClinVar variation 4733710 (VCV004733710.1).
Genomic context (GRCh38, chr16:8,923,384, plus strand): 5'-CAAAACACGGAGGGCTAAGGACCGACTCACTCAGTCTGCTGAAGCGCTCCACAGTGAACT[G>C]AAAGGTTGCCTCGGAGCGCCAACTGGTGTCTGCAAAAAAAACACATCATCAGTCACAGAG-3'
Protein context (NP_003461.2, residues 62-82): DTSWRSEATF[Gln72Glu]FTVERFSRLS

ClinVar aggregate classification (germline): Uncertain significance (1 of 4 stars; one submission).

gnomAD v4.1: 1 of 1,614,208 alleles (0.000062%); highest among the groups gnomAD compares: Non-Finnish European, 0.000085%; no homozygotes.

Submission:

Labcorp Genetics (formerly Invitae), Labcorp
Classification: Uncertain significance. Last evaluated: 2025-12-27. Review status: criteria provided, single submitter. Criteria: Invitae Variant Classification Sherloc (09022015). Collection method: clinical testing. Allele origin: germline.
Comment: This sequence change replaces glutamine, which is neutral and polar, with glutamic acid, which is acidic and polar, at codon 72 of the USP7 protein (p.Gln72Glu). This variant is not present in population databases (gnomAD no frequency). This variant has not been reported in the literature in individuals affected with USP7-related conditions. An algorithm developed to predict the effect of missense changes on protein structure and function (PolyPhen-2) suggests that this variant is likely to be tolerated. In summary, the available evidence is currently insufficient to determine the role of this variant in disease. Therefore, it has been classified as a Variant of Uncertain Significance.